The following is an entry in ClinVar:

NM_000218.3(KCNQ1):c.37A>T (p.Lys13Ter)

Gene: KCNQ1 (potassium voltage-gated channel subfamily Q member 1; plus strand). Cytogenetic location: 11p15.5.
Variant type: single nucleotide variant.
Coding change: c.37A>T on transcript NM_000218.3 (MANE Select); coding-DNA position 37, A replaced by T.
Protein change: p.Lys13Ter; replaces lysine 13 with a stop codon.
Molecular consequence: nonsense.
Genome position (GRCh38, 1-based): chr11:2,445,135, A>T. VCF-style: chr11-2445135-A-T. GRCh37 (hg19) VCF-style: chr11-2466365-A-T.
Other names: p.K13*:AAG>TAG; short protein forms K13*.
Identifiers: ClinVar variation 200867 (VCV000200867.1), dbSNP rs794728544, ClinGen allele CA006918.

ClinVar aggregate classification (germline): Pathogenic (1 of 4 stars; one submission).

Submission:

GeneDx
Classification: Pathogenic. Last evaluated: 2015-04-10. Review status: criteria provided, single submitter. Criteria: GeneDx Variant Classification (06012015). Collection method: clinical testing. Allele origin: germline. Affected: yes.
Comment: p.Lys13Stop (AAG>TAG): c.37 A>T in exon 1 of the KCNQ1 gene (NM_000218.2). The K13X mutation in the KCNQ1 gene has not been reported as a disease-causing mutation or as a benign polymorphism to our knowledge. K13X is predicted to cause loss of normal protein function either by protein truncation or nonsense-mediated mRNA decay. Other nonsense mutations in the KCNQ1 gene have been reported in association with LQTS. In summary, K13X in the KCNQ1 gene is interpreted as a disease-causing mutation. The variant is found in LQT panel(s).